The following is an entry in ClinVar:

ClinVar aggregate classification (germline): Uncertain significance (1 of 4 stars; one submission).

Allele frequency attached by ClinVar (database versions not stated): TOPMed 0.00001.

Submission:

GeneDx
Classification: Uncertain significance. Last evaluated: 2019-05-24. Review status: criteria provided, single submitter. Criteria: GeneDx Variant Classification Process June 2021. Collection method: clinical testing. Allele origin: germline. Affected: yes.
Comment: Not observed in large population cohorts (Lek et al., 2016); In silico analysis, which includes protein predictors and evolutionary conservation, supports that this variant does not alter protein structure/function; Has not been previously published as pathogenic or benign to our knowledge

NM_177559.3(CSNK2A1):c.1003G>A (p.Gly335Ser)

Gene: CSNK2A1 (casein kinase 2 alpha 1; minus strand). Cytogenetic location: 20p13.
Variant type: single nucleotide variant.
Coding change: c.1003G>A on transcript NM_177559.3 (MANE Select); coding-DNA position 1003, G replaced by A.
Protein change: p.Gly335Ser; replaces glycine 335 with serine.
Molecular consequence: missense variant.
Genome position (GRCh38, 1-based): chr20:486,433, C>T on the plus strand (G>A on the coding strand, the complement: CSNK2A1 is on the minus strand). VCF-style: chr20-486433-C-T. GRCh37 (hg19) VCF-style: chr20-467077-C-T.
Other names: c.1003G>A, p.Gly335Ser (NM_001362770.2, NM_001362771.2, NM_001895.4); c.595G>A, p.Gly199Ser (NM_177560.3); short protein forms G199S, G335S.
Identifiers: ClinVar variation 1304215 (VCV001304215.2), dbSNP rs2018100818, ClinGen allele CA407922283.
Genomic context (GRCh38, chr20:486,433, plus strand): 5'-GACCTGACATCATATTGGCGCTGCTGACGGGCGTACTGCCCCCTGGCATGCTAGATGAAC[C>T]CATTCGAGCCTGGTCCTTCACAACAGTGTCTAGAAAAGAGACAAAAAGGCTAGGTTCTGT-3'
Protein context (NP_808227.1, residues 325-345): YTVVKDQARM[Gly335Ser]SSSMPGGSTP